The following is an entry in ClinVar:

NM_005477.3(HCN4):c.134G>T (p.Arg45Leu)

Gene: HCN4 (hyperpolarization activated cyclic nucleotide gated potassium channel 4; minus strand). Cytogenetic location: 15q24.1.
Variant type: single nucleotide variant.
Coding change: c.134G>T on transcript NM_005477.3 (MANE Select); coding-DNA position 134, G replaced by T.
Protein change: p.Arg45Leu; replaces arginine 45 with leucine.
Molecular consequence: missense variant.
Genome position (GRCh38, 1-based): chr15:73,368,137, C>A on the plus strand (G>T on the coding strand, the complement: HCN4 is on the minus strand). VCF-style: chr15-73368137-C-A. GRCh37 (hg19) VCF-style: chr15-73660478-C-A.
Other names: p.Arg45Leu; short protein forms R45L.
Identifiers: ClinVar variation 470647 (VCV000470647.12), dbSNP rs1416460262, ClinGen allele CA393098915.

ClinVar aggregate classification (germline): Uncertain significance. Review status: criteria provided, multiple submitters, no conflicts (2 of 4 stars). 4 submissions from 4 submitters: Uncertain significance (4). Last evaluated 2025-12-08.

Conditions:
Brugada syndrome 8 (BRGDA8). Identifiers: Orphanet 130, MedGen C2751083, MONDO:0013148, OMIM 613123.
Sick sinus syndrome 2, autosomal dominant (SSS2). Also called: ATRIAL FIBRILLATION WITH BRADYARRHYTHMIA; SINUS BRADYCARDIA SYNDROME, FAMILIAL, AUTOSOMAL DOMINANT; SINUS NODE DISEASE, FAMILIAL, AUTOSOMAL DOMINANT; SICK SINUS SYNDROME 2; SICK SINUS SYNDROME 2 WITH OR WITHOUT CARDIAC NONCOMPACTION AND/OR ASCENDING AORTA DILATION. Identifiers: Orphanet 166282, MedGen C1834144, MONDO:0008102, OMIM 163800.
Epilepsy, idiopathic generalized, susceptibility to, 18. Identifiers: MedGen C5561983, MONDO:0030434, OMIM 619521.
Cardiovascular phenotype. Identifiers: MedGen CN230736.

Allele frequency attached by ClinVar (database versions not stated): TOPMed below 0.00001; gnomAD 0.00001; gnomAD exomes 0.00001; 1000 Genomes Project 30x 0.00031.
gnomAD v4.1: 18 of 1,516,628 alleles (0.0012%); highest among the groups gnomAD compares: African/African-American, 0.0029%; no homozygotes.

Submissions (4):

Labcorp Genetics (formerly Invitae), Labcorp
Classification: Uncertain significance for Brugada syndrome 8. Last evaluated: 2025-12-08. Review status: criteria provided, single submitter. Criteria: Invitae Variant Classification Sherloc (09022015). Collection method: clinical testing. Allele origin: germline.
Comment: This sequence change replaces arginine, which is basic and polar, with leucine, which is neutral and non-polar, at codon 45 of the HCN4 protein (p.Arg45Leu). The frequency data for this variant in the population databases is considered unreliable, as metrics indicate poor data quality at this position in the gnomAD database. This variant has not been reported in the literature in individuals affected with HCN4-related conditions. ClinVar contains an entry for this variant (Variation ID: 470647). Invitae Evidence Modeling of protein sequence and biophysical properties (such as structural, functional, and spatial information, amino acid conservation, physicochemical variation, residue mobility, and thermodynamic stability) has been performed for this missense variant. However, the output from this modeling did not meet the statistical confidence thresholds required to predict the impact of this variant on HCN4 protein function. In summary, the available evidence is currently insufficient to determine the role of this variant in disease. Therefore, it has been classified as a Variant of Uncertain Significance.

Ambry Genetics
Classification: Uncertain significance for Cardiovascular phenotype. Last evaluated: 2025-11-11. Review status: criteria provided, single submitter. Criteria: Ambry Variant Classification Scheme 2023. Collection method: clinical testing. Allele origin: germline.

Mayo Clinic Laboratories, Mayo Clinic
Classification: Uncertain significance. Last evaluated: 2024-06-06. Review status: criteria provided, single submitter. Criteria: ACMG Guidelines, 2015. Collection method: clinical testing. Allele origin: germline. Observed: 1 variant allele.

Fulgent Genetics
Classification: Uncertain significance for Sick sinus syndrome 2, autosomal dominant; Brugada syndrome 8; Epilepsy, idiopathic generalized, susceptibility to, 18. Last evaluated: 2021-07-29. Review status: criteria provided, single submitter. Criteria: ACMG Guidelines, 2015. Collection method: clinical testing. Allele origin: unknown.